The following is an entry in ClinVar:

ClinVar aggregate classification (germline): Uncertain significance. Review status: criteria provided, multiple submitters, no conflicts (2 of 4 stars). 5 submissions from 5 submitters: Uncertain significance (5). Last evaluated 2024-11-08.

Conditions:
Developmental and epileptic encephalopathy, 18 (DEE18). Also called: Early infantile epileptic encephalopathy 18. Identifiers: Orphanet 369894, MedGen C3809624, MONDO:0014201, OMIM 615476.

Allele frequency attached by ClinVar (database versions not stated): gnomAD 0.00004 and 0.00013; TOPMed 0.00004; ExAC 0.00007; gnomAD exomes 0.00008 and 0.00021; 1000 Genomes Project 30x 0.00062; 1000 Genomes Project 0.00080.
gnomAD v4.1: 317 of 1,612,856 alleles (0.02%); highest among the groups gnomAD compares: East Asian, 0.64%; no homozygotes.

Submissions (5):

Blueprint Genetics
Classification: Uncertain significance. Last evaluated: 2024-11-08. Review status: criteria provided, single submitter. Criteria: ACMG Guidelines, 2015. Collection method: clinical testing. Allele origin: germline.

Genome-Nilou Lab
Classification: Uncertain significance for Developmental and epileptic encephalopathy, 18. Last evaluated: 2023-04-11. Review status: criteria provided, single submitter. Criteria: ACMG Guidelines, 2015. Collection method: clinical testing. Allele origin: germline. Affected: no.

GeneDx
Classification: Uncertain significance. Last evaluated: 2022-11-11. Review status: criteria provided, single submitter. Criteria: GeneDx Variant Classification Process June 2021. Collection method: clinical testing. Allele origin: germline. Affected: yes.
Comment: In silico analysis supports that this missense variant has a deleterious effect on protein structure/function; This variant is associated with the following publications: (PMID: 32723703)

CeGaT Center for Human Genetics Tuebingen
Classification: Uncertain significance. Last evaluated: 2022-11-01. Review status: criteria provided, single submitter. Criteria: CeGaT Center For Human Genetics Tuebingen Variant Classification Criteria Version 2. Collection method: clinical testing. Allele origin: germline. Affected: yes. Observed: 2 variant alleles.

Labcorp Genetics (formerly Invitae), Labcorp
Classification: Uncertain significance. Last evaluated: 2022-07-19. Review status: criteria provided, single submitter. Criteria: Invitae Variant Classification Sherloc (09022015). Collection method: clinical testing. Allele origin: germline.
Comment: This sequence change replaces arginine, which is basic and polar, with tryptophan, which is neutral and slightly polar, at codon 1517 of the SZT2 protein (p.Arg1517Trp). This variant is present in population databases (rs79351309, gnomAD 0.06%). This missense change has been observed in individual(s) with epileptic encephalopathy (PMID: 32723703). ClinVar contains an entry for this variant (Variation ID: 871444). Algorithms developed to predict the effect of missense changes on protein structure and function are either unavailable or do not agree on the potential impact of this missense change (SIFT: "Deleterious"; PolyPhen-2: "Probably Damaging"; Align-GVGD: "Class C15"). In summary, the available evidence is currently insufficient to determine the role of this variant in disease. Therefore, it has been classified as a Variant of Uncertain Significance.

Literature cited by the submitters: PubMed 32723703 (cited by Labcorp Genetics (formerly Invitae), Labcorp).

NM_001365999.1(SZT2):c.4720C>T (p.Arg1574Trp)

Gene: SZT2 (SZT2 subunit of KICSTOR complex; plus strand). Cytogenetic location: 1p34.2.
Variant type: single nucleotide variant.
Coding change: c.4720C>T on transcript NM_001365999.1 (MANE Select); coding-DNA position 4720, C replaced by T.
Protein change: p.Arg1574Trp; replaces arginine 1574 with tryptophan.
Molecular consequence: missense variant.
Genome position (GRCh38, 1-based): chr1:43,430,735, C>T. VCF-style: chr1-43430735-C-T. GRCh37 (hg19) VCF-style: chr1-43896406-C-T.
Other names: c.4549C>T, p.Arg1517Trp (NM_015284.4); short protein forms R1517W, R1574W.
Identifiers: ClinVar variation 871444 (VCV000871444.48), dbSNP rs79351309, ClinGen allele CA809359.